The following is an entry in ClinVar:

NM_000038.6(APC):c.4416A>C (p.Val1472=)

Gene: APC (APC regulator of Wnt signaling pathway; plus strand). Cytogenetic location: 5q22.2.
Variant type: single nucleotide variant.
Coding change: c.4416A>C on transcript NM_000038.6 (MANE Select); coding-DNA position 4416, A replaced by C.
Protein change: p.Val1472=; no amino-acid change (valine 1472 retained).
Molecular consequence: synonymous variant.
Genome position (GRCh38, 1-based): chr5:112,840,010, A>C. VCF-style: chr5-112840010-A-C. GRCh37 (hg19) VCF-style: chr5-112175707-A-C.
Other names: c.3936A>C, p.Val1312= (NM_001354905.2); c.3567A>C, p.Val1189= (NM_001354906.2); c.4416A>C, p.Val1472= (NM_001127510.3, NM_001354895.2); c.4362A>C, p.Val1454= (NM_001127511.3); c.4470A>C, p.Val1490= (NM_001354896.2); c.4446A>C, p.Val1482= (NM_001354897.2); c.4341A>C, p.Val1447= (NM_001354898.2); c.4332A>C, p.Val1444= (NM_001354899.2); and 5 more.
Identifiers: ClinVar variation 469964 (VCV000469964.12), dbSNP rs773352404, ClinGen allele CA446206460.

ClinVar aggregate classification (germline): Benign/Likely benign. Review status: criteria provided, multiple submitters, no conflicts (2 of 4 stars). 4 submissions from 4 submitters: Benign (1); Likely benign (3). Last evaluated 2025-06-23.

Conditions:
Hereditary cancer-predisposing syndrome. Also called: Hereditary neoplastic syndrome; Neoplastic Syndromes, Hereditary; Tumor predisposition; Hereditary Cancer Syndrome. Identifiers: Orphanet 140162, MedGen C0027672, MeSH D009386, MONDO:0015356.
Familial adenomatous polyposis 1 (FAP1). Also called: POLYPOSIS, ADENOMATOUS INTESTINAL; FAMILIAL ADENOMATOUS POLYPOSIS 1, ATTENUATED. Identifiers: MedGen C2713442, MONDO:0021056, OMIM 175100. Disease mechanism: loss of function.

Submissions (4):

Ambry Genetics
Classification: Likely benign for Hereditary cancer-predisposing syndrome. Last evaluated: 2025-06-23. Review status: criteria provided, single submitter. Criteria: Ambry Variant Classification Scheme 2023. Collection method: clinical testing. Allele origin: germline.

Myriad Genetics, Inc.
Classification: Benign for Familial adenomatous polyposis 1. Last evaluated: 2024-03-26. Review status: criteria provided, single submitter. Criteria: Myriad Autosomal Dominant, Autosomal Recessive and X-Linked Classification Criteria (2023). Collection method: clinical testing. Allele origin: unknown.
Comment: This variant is considered benign. This variant is a silent/synonymous amino acid change and it is not expected to impact splicing.

Labcorp Genetics (formerly Invitae), Labcorp
Classification: Likely benign for Familial adenomatous polyposis 1. Last evaluated: 2017-07-18. Review status: criteria provided, single submitter. Criteria: Invitae Variant Classification Sherloc (09022015). Collection method: clinical testing. Allele origin: germline.

GeneDx
Classification: Likely benign. Last evaluated: 2017-02-24. Review status: criteria provided, single submitter. Criteria: GeneDx Variant Classification (06012015). Collection method: clinical testing. Allele origin: germline. Affected: yes.
Comment: This variant is considered likely benign or benign based on one or more of the following criteria: it is a conservative change, it occurs at a poorly conserved position in the protein, it is predicted to be benign by multiple in silico algorithms, and/or has population frequency not consistent with disease.